The following is an entry in ClinVar:

ClinVar aggregate classification (germline): Conflicting classifications of pathogenicity. Review status: criteria provided, conflicting classifications (1 of 4 stars). 3 submissions from 3 submitters: Uncertain significance (2); Likely benign (1). Last evaluated 2026-04-06.

Conditions:
CACNA1D-related disorder.

Allele frequency attached by ClinVar (database versions not stated): ExAC 0.00001; TOPMed 0.00005; gnomAD 0.00006; gnomAD exomes 0.00006 and 0.00018.
gnomAD v4.1: 261 of 1,614,076 alleles (0.016%); highest among the groups gnomAD compares: Non-Finnish European, 0.021%; 1 homozygote.

Submissions (3):

PreventionGenetics, part of Exact Sciences
Classification: Uncertain significance for CACNA1D-related condition. Last evaluated: 2026-04-06. Review status: criteria provided, single submitter. Criteria: ACMG Guidelines, 2015. Collection method: clinical testing. Allele origin: germline.
Comment: The CACNA1D c.962G>A variant is predicted to result in the amino acid substitution p.Gly321Glu. To our knowledge, this variant has not been reported in the literature. This variant is reported in 0.0085% of alleles in individuals of European (Non-Finnish) descent in gnomAD v2. However, in gnomAD v4 (available only on GRCh38), this variant is reported at a much higher frequency, with 0.021% of alleles observed in individuals of European (Non-Finnish) descent, which may be too high for variant causative in autosomal dominant disorder. At this time, the clinical significance of this variant is uncertain due to the absence of conclusive functional and genetic evidence.

Labcorp Genetics (formerly Invitae), Labcorp
Classification: Likely benign. Last evaluated: 2025-09-14. Review status: criteria provided, single submitter. Criteria: Invitae Variant Classification Sherloc (09022015). Collection method: clinical testing. Allele origin: germline.

GeneDx
Classification: Uncertain significance. Last evaluated: 2021-07-23. Review status: criteria provided, single submitter. Criteria: GeneDx Variant Classification Process June 2021. Collection method: clinical testing. Allele origin: germline. Affected: yes.
Comment: In silico analysis supports that this missense variant has a deleterious effect on protein structure/function; Has not been previously published as pathogenic or benign to our knowledge

NM_001128840.3(CACNA1D):c.962G>A (p.Gly321Glu)

Gene: CACNA1D (calcium voltage-gated channel subunit alpha1 D; plus strand). Cytogenetic location: 3p21.1.
Variant type: single nucleotide variant.
Coding change: c.962G>A on transcript NM_001128840.3 (MANE Select); coding-DNA position 962, G replaced by A.
Protein change: p.Gly321Glu; replaces glycine 321 with glutamic acid.
Molecular consequence: missense variant.
Genome position (GRCh38, 1-based): chr3:53,666,381, G>A. VCF-style: chr3-53666381-G-A. GRCh37 (hg19) VCF-style: chr3-53700408-G-A.
Other names: c.962G>A, p.Gly321Glu (NM_000720.4, NM_001128839.3); c.962G>A (NM_000720.3); short protein forms G321E.
Identifiers: ClinVar variation 1253949 (VCV001253949.9), dbSNP rs763483604, ClinGen allele CA2453799.